The following is an entry in ClinVar:

ClinVar aggregate classification (germline): Uncertain significance. Review status: criteria provided, multiple submitters, no conflicts (2 of 4 stars). 2 submissions from 2 submitters: Uncertain significance (2). Last evaluated 2024-05-06.

Conditions:
Cardiovascular phenotype. Identifiers: MedGen CN230736.

Allele frequency attached by ClinVar (database versions not stated): gnomAD exomes below 0.00001.
gnomAD v4.1: 2 of 1,609,468 alleles (0.00012%); highest among the groups gnomAD compares: Non-Finnish European, 0.00017%; no homozygotes.

Submissions (2):

GeneDx
Classification: Uncertain significance. Last evaluated: 2024-05-06. Review status: criteria provided, single submitter. Criteria: GeneDx Variant Classification Process June 2021. Collection method: clinical testing. Allele origin: germline. Affected: yes.
Comment: Not observed at significant frequency in large population cohorts (gnomAD); In silico analysis supports that this missense variant has a deleterious effect on protein structure/function; Has not been previously published as pathogenic or benign to our knowledge

Ambry Genetics
Classification: Uncertain significance for Cardiovascular phenotype. Last evaluated: 2023-07-20. Review status: criteria provided, single submitter. Criteria: Ambry Variant Classification Scheme 2023. Collection method: clinical testing. Allele origin: germline.
Comment: The p.P1148S variant (also known as c.3442C>T), located in coding exon 22 of the SOS2 gene, results from a C to T substitution at nucleotide position 3442. The proline at codon 1148 is replaced by serine, an amino acid with similar properties. This amino acid position is conserved. In addition, the in silico prediction for this alteration is inconclusive. Since supporting evidence is limited at this time, the clinical significance of this alteration remains unclear.

NM_006939.4(SOS2):c.3442C>T (p.Pro1148Ser)

Gene: SOS2 (SOS Ras/Rho guanine nucleotide exchange factor 2; minus strand). Cytogenetic location: 14q21.3.
Variant type: single nucleotide variant.
Coding change: c.3442C>T on transcript NM_006939.4 (MANE Select); coding-DNA position 3442, C replaced by T.
Protein change: p.Pro1148Ser; replaces proline 1148 with serine.
Molecular consequence: missense variant.
Genome position (GRCh38, 1-based): chr14:50,120,322, G>A on the plus strand (C>T on the coding strand, the complement: SOS2 is on the minus strand). VCF-style: chr14-50120322-G-A. GRCh37 (hg19) VCF-style: chr14-50587040-G-A.
Other names: c.3343C>T, p.Pro1115Ser (NM_001411020.1); short protein forms P1148S, P1115S.
Identifiers: ClinVar variation 2625431 (VCV002625431.3), dbSNP rs2502768422, ClinGen allele CA389639165.